The following is an entry in ClinVar:

NM_020247.5(COQ8A):c.1572+6T>C

Gene: COQ8A (coenzyme Q8A; plus strand). Cytogenetic location: 1q42.13.
Variant type: single nucleotide variant.
Coding change: c.1572+6T>C on transcript NM_020247.5 (MANE Select); 6 bases into the intron after coding-DNA position 1572, T replaced by C.
Molecular consequence: intron variant.
Genome position (GRCh38, 1-based): chr1:226,984,947, T>C. VCF-style: chr1-226984947-T-C. GRCh37 (hg19) VCF-style: chr1-227172648-T-C.
Identifiers: ClinVar variation 4682199 (VCV004682199.1).
Genomic context (GRCh38, chr1:226,984,947, plus strand): 5'-GGATTTTGGGGCAACGCGGGAATATGACAGATCCTTCACCGACCTCTACATTCAGGTAAC[T>C]GGAGAGGGGCCCTGGCCTTGGTCCATGTTTTTCTGAGGCTGGGACAGGATGCTGGGGGAC-3'

ClinVar aggregate classification (germline): Uncertain significance (1 of 4 stars; one submission).

Submission:

Athena Diagnostics
Classification: Uncertain significance. Last evaluated: 2025-02-05. Review status: criteria provided, single submitter. Criteria: Athena Diagnostics Criteria. Collection method: clinical testing. Allele origin: unknown.
Comment: Available data are insufficient to determine the clinical significance of the variant at this time. This variant has not been reported in large, multi-ethnic general populations. Computational tools yielded predictions that this variant is unlikely to have an effect on normal RNA splicing.